The following is an entry in ClinVar:

NM_004239.4(TRIP11):c.2810A>C (p.Lys937Thr)

Gene: TRIP11 (thyroid hormone receptor interactor 11; minus strand). Cytogenetic location: 14q32.12.
Variant type: single nucleotide variant.
Coding change: c.2810A>C on transcript NM_004239.4 (MANE Select); coding-DNA position 2810, A replaced by C.
Protein change: p.Lys937Thr; replaces lysine 937 with threonine.
Molecular consequence: missense variant.
Genome position (GRCh38, 1-based): chr14:92,005,166, T>G on the plus strand (A>C on the coding strand, the complement: TRIP11 is on the minus strand). VCF-style: chr14-92005166-T-G. GRCh37 (hg19) VCF-style: chr14-92471510-T-G.
Other names: c.2807A>C, p.Lys936Thr (NM_001321851.1); short protein forms K936T, K937T.
Identifiers: ClinVar variation 3772271 (VCV003772271.13).

ClinVar aggregate classification (germline): Uncertain significance (1 of 4 stars; one submission).

Submission:

CeGaT Center for Human Genetics Tuebingen
Classification: Uncertain significance. Last evaluated: 2025-01-01. Review status: criteria provided, single submitter. Criteria: CeGaT Center For Human Genetics Tuebingen Variant Classification Criteria Version 2. Collection method: clinical testing. Allele origin: germline. Affected: yes. Observed: 1 variant allele.
Comment: TRIP11: PM2, PS2:Moderate, BP4